The following is an entry in ClinVar:

ClinVar aggregate classification (germline): Uncertain significance (1 of 4 stars; one submission).

Allele frequency attached by ClinVar (database versions not stated): TOPMed below 0.00001; gnomAD 0.00001.
gnomAD v4.1: 1 of 1,548,598 alleles (0.000065%); highest among the groups gnomAD compares: Non-Finnish European, 0.000087%; no homozygotes.

Submission:

Labcorp Genetics (formerly Invitae), Labcorp
Classification: Uncertain significance. Last evaluated: 2024-02-19. Review status: criteria provided, single submitter. Criteria: Invitae Variant Classification Sherloc (09022015). Collection method: clinical testing. Allele origin: germline.
Comment: This sequence change replaces aspartic acid, which is acidic and polar, with glutamic acid, which is acidic and polar, at codon 3237 of the ZNF469 protein (p.Asp3237Glu). This variant is not present in population databases (gnomAD no frequency). This variant has not been reported in the literature in individuals affected with ZNF469-related conditions. ClinVar contains an entry for this variant (Variation ID: 2085960). Algorithms developed to predict the effect of missense changes on protein structure and function output the following: SIFT: "Not Available"; PolyPhen-2: "Benign"; Align-GVGD: "Not Available". The glutamic acid amino acid residue is found in multiple mammalian species, which suggests that this missense change does not adversely affect protein function. In summary, the available evidence is currently insufficient to determine the role of this variant in disease. Therefore, it has been classified as a Variant of Uncertain Significance.

NM_001367624.2(ZNF469):c.9795C>A (p.Asp3265Glu)

Gene: ZNF469 (zinc finger protein 469; plus strand). Cytogenetic location: 16q24.2.
Variant type: single nucleotide variant.
Coding change: c.9795C>A on transcript NM_001367624.2 (MANE Select); coding-DNA position 9795, C replaced by A.
Protein change: p.Asp3265Glu; replaces aspartic acid 3265 with glutamic acid.
Molecular consequence: missense variant.
Genome position (GRCh38, 1-based): chr16:88,437,265, C>A. VCF-style: chr16-88437265-C-A. GRCh37 (hg19) VCF-style: chr16-88503673-C-A.
Other names: short protein forms D3265E.
Identifiers: ClinVar variation 2085960 (VCV002085960.4), dbSNP rs1906654346, ClinGen allele CA397124733.
Genomic context (GRCh38, chr16:88,437,265, plus strand): 5'-CGGCAAGGCCGCCGGGAGCCCGGGAGACCCGTGGGGGCAAGAGGGAGAAGCCAAGAAAGA[C>A]AGCCCGGGCGAGAGGGCGAAACCCCGGGCACGCAGCACCCCCAGCAACCCAGACGGGGCC-3'
Protein context (NP_001354553.1, residues 3255-3275): PWGQEGEAKK[Asp3265Glu]SPGERAKPRA